The following is an entry in ClinVar:

NM_001267550.2(TTN):c.29858G>A (p.Gly9953Asp)

Gene: TTN (titin; minus strand). Cytogenetic location: 2q31.2.
Variant type: single nucleotide variant.
Coding change: c.29858G>A on transcript NM_001267550.2 (MANE Select); coding-DNA position 29858, G replaced by A.
Protein change: p.Gly9953Asp; replaces glycine 9953 with aspartic acid.
Molecular consequence: missense variant. On other transcripts: intron variant (3).
Genome position (GRCh38, 1-based): chr2:178,704,614, C>T on the plus strand (G>A on the coding strand, the complement: TTN is on the minus strand). VCF-style: chr2-178704614-C-T. GRCh37 (hg19) VCF-style: chr2-179569341-C-T.
Other names: c.26126G>A, p.Gly8709Asp (NM_133378.4); c.13282+33468G>A (NM_003319.4); c.13858+33468G>A (NM_133437.4); c.13657+33468G>A (NM_133432.3); c.28907G>A, p.Gly9636Asp (NM_001256850.1); short protein forms G8709D, G9636D, G9953D.
Identifiers: ClinVar variation 5041540 (VCV005041540.1).

ClinVar aggregate classification (germline): Uncertain significance (1 of 4 stars; one submission).

gnomAD v4.1: 9 of 1,612,628 alleles (0.00056%); highest among the groups gnomAD compares: Non-Finnish European, 0.00076%; no homozygotes.

Submission:

CeGaT Center for Human Genetics Tuebingen
Classification: Uncertain significance. Last evaluated: 2026-09-01. Review status: criteria provided, single submitter. Criteria: CeGaT Center For Human Genetics Tuebingen Variant Classification Criteria Version 2. Collection method: clinical testing. Allele origin: germline. Affected: yes. Observed: 1 variant allele.
Comment: TTN: PM2